The following is an entry in ClinVar:

NM_003239.5(TGFB3):c.1221G>C (p.Lys407Asn)

Gene: TGFB3 (transforming growth factor beta 3; minus strand). Cytogenetic location: 14q24.3.
Variant type: single nucleotide variant.
Coding change: c.1221G>C on transcript NM_003239.5 (MANE Select); coding-DNA position 1221, G replaced by C.
Protein change: p.Lys407Asn; replaces lysine 407 with asparagine.
Molecular consequence: missense variant.
Genome position (GRCh38, 1-based): chr14:75,959,205, C>G on the plus strand (G>C on the coding strand, the complement: TGFB3 is on the minus strand). VCF-style: chr14-75959205-C-G. GRCh37 (hg19) VCF-style: chr14-76425548-C-G.
Other names: c.1221G>C, p.Lys407Asn (NM_001329939.2); short protein forms K407N.
Identifiers: ClinVar variation 1753275 (VCV001753275.5), dbSNP rs769218542, ClinGen allele CA390466639.

ClinVar aggregate classification (germline): Uncertain significance. Review status: criteria provided, multiple submitters, no conflicts (2 of 4 stars). 2 submissions from 2 submitters: Uncertain significance (2). Last evaluated 2022-08-05.

Conditions:
Rienhoff syndrome. Also called: LOEYS-DIETZ SYNDROME 5. Identifiers: MedGen C3810012, MONDO:0014262, OMIM 615582.
Familial thoracic aortic aneurysm and aortic dissection (TAAD). Also called: Thoracic aortic aneurysms and dissections. Identifiers: Orphanet 91387, MedGen C4707243, MONDO:0019625.

Submissions (2):

Labcorp Genetics (formerly Invitae), Labcorp
Classification: Uncertain significance for Rienhoff syndrome. Last evaluated: 2022-08-05. Review status: criteria provided, single submitter. Criteria: Invitae Variant Classification Sherloc (09022015). Collection method: clinical testing. Allele origin: germline.
Comment: In summary, the available evidence is currently insufficient to determine the role of this variant in disease. Therefore, it has been classified as a Variant of Uncertain Significance. Algorithms developed to predict the effect of missense changes on protein structure and function are either unavailable or do not agree on the potential impact of this missense change (SIFT: "Tolerated"; PolyPhen-2: "Probably Damaging"; Align-GVGD: "Class C0"). This variant has not been reported in the literature in individuals affected with TGFB3-related conditions. This variant is not present in population databases (gnomAD no frequency). This sequence change replaces lysine, which is basic and polar, with asparagine, which is neutral and polar, at codon 407 of the TGFB3 protein (p.Lys407Asn).

Ambry Genetics
Classification: Uncertain significance for Familial thoracic aortic aneurysm and aortic dissection. Last evaluated: 2018-01-09. Review status: criteria provided, single submitter. Criteria: Ambry Variant Classification Scheme 2023. Collection method: clinical testing. Allele origin: germline.
Comment: The p.K407N variant (also known as c.1221G>C), located in coding exon 7 of the TGFB3 gene, results from a G to C substitution at nucleotide position 1221. The lysine at codon 407 is replaced by asparagine, an amino acid with similar properties. This amino acid position is highly conserved in available vertebrate species. In addition, this alteration is predicted to be tolerated by in silico analysis. Since supporting evidence is limited at this time, the clinical significance of this alteration remains unclear.